The following is an entry in ClinVar:

NM_181523.3(PIK3R1):c.512C>G (p.Ser171Cys)

Gene: PIK3R1 (phosphoinositide-3-kinase regulatory subunit 1; plus strand). Cytogenetic location: 5q13.1.
Variant type: single nucleotide variant.
Coding change: c.512C>G on transcript NM_181523.3 (MANE Select); coding-DNA position 512, C replaced by G.
Protein change: p.Ser171Cys; replaces serine 171 with cysteine.
Molecular consequence: missense variant.
Genome position (GRCh38, 1-based): chr5:68,279,611, C>G. VCF-style: chr5-68279611-C-G. GRCh37 (hg19) VCF-style: chr5-67575439-C-G.
Other names: short protein forms S171C.
Identifiers: ClinVar variation 4794956 (VCV004794956.1).

ClinVar aggregate classification (germline): Uncertain significance (1 of 4 stars; one submission).

Conditions:
Agammaglobulinemia 7, autosomal recessive (AGM7). Also called: AGAMMAGLOBULINEMIA, AUTOSOMAL RECESSIVE, DUE TO PIK3R1 DEFECT. Identifiers: MedGen C3554689, MONDO:0014083, OMIM 615214.
SHORT syndrome. Also called: SHORT STATURE, HYPEREXTENSIBILITY, HERNIA, OCULAR DEPRESSION, RIEGER ANOMALY, AND TEETHING DELAY; LIPODYSTROPHY, PARTIAL, WITH RIEGER ANOMALY AND SHORT STATURE; PIK3R1-Related SHORT Syndrome. Identifiers: Orphanet 3163, MedGen C0878684, MONDO:0010026, OMIM 269880.
Immunodeficiency 36 with lymphoproliferation. Also called: Immunodeficiency 36; Activated PI3K Delta Syndrome Type 2 (APDS2); ACTIVATED PI3K-DELTA SYNDROME 2. Identifiers: Orphanet 397596, Orphanet 693681, MedGen C4014934, MONDO:0014453, OMIM 616005.

Submission:

Labcorp Genetics (formerly Invitae), Labcorp
Classification: Uncertain significance for SHORT syndrome; Immunodeficiency 36 with lymphoproliferation; Agammaglobulinemia 7, autosomal recessive. Last evaluated: 2025-10-16. Review status: criteria provided, single submitter. Criteria: Invitae Variant Classification Sherloc (09022015). Collection method: clinical testing. Allele origin: germline.
Comment: This sequence change replaces serine, which is neutral and polar, with cysteine, which is neutral and slightly polar, at codon 171 of the PIK3R1 protein (p.Ser171Cys). This variant is not present in population databases (gnomAD no frequency). This variant has not been reported in the literature in individuals affected with PIK3R1-related conditions. An algorithm developed to predict the effect of missense changes on protein structure and function (PolyPhen-2) suggests that this variant is likely to be tolerated. In summary, the available evidence is currently insufficient to determine the role of this variant in disease. Therefore, it has been classified as a Variant of Uncertain Significance.